The following is an entry in ClinVar:

NM_000182.5(HADHA):c.1886-8T>C

Genes: GAREM2 (GRB2 associated regulator of MAPK1 subtype 2; plus strand), HADHA (hydroxyacyl-CoA dehydrogenase trifunctional multienzyme complex subunit alpha; minus strand). Cytogenetic location: 2p23.3.
Variant type: single nucleotide variant.
Coding change: c.1886-8T>C on transcript NM_000182.5 (MANE Select); 8 bases into the intron before coding-DNA position 1886, T replaced by C.
Molecular consequence: intron variant.
Genome position (GRCh38, 1-based): chr2:26,192,432, A>G on the plus strand (T>C on the coding strand, the complement: HADHA is on the minus strand). VCF-style: chr2-26192432-A-G. GRCh37 (hg19) VCF-style: chr2-26415301-A-G.
Identifiers: ClinVar variation 386925 (VCV000386925.9), dbSNP rs749138340, ClinGen allele CA1559423.

ClinVar aggregate classification (germline): Likely benign. Review status: criteria provided, multiple submitters, no conflicts (2 of 4 stars). 2 submissions from 2 submitters: Likely benign (2). Last evaluated 2022-06-04.

Conditions:
Mitochondrial trifunctional protein deficiency. Identifiers: Orphanet 746, MedGen C1969443, MONDO:0012172.
Long chain 3-hydroxyacyl-CoA dehydrogenase deficiency. Also called: Deficiency of long-chain 3-hydroxyacyl-coenzyme A dehydrogenase; LCHAD Deficiency. Identifiers: Orphanet 5, MedGen C3711645, MONDO:0012173, OMIM 609016.

Allele frequency attached by ClinVar (database versions not stated): gnomAD exomes below 0.00001 and 0.00002; TOPMed below 0.00001; ExAC 0.00001; gnomAD 0.00001.
gnomAD v4.1: 22 of 1,317,664 alleles (0.0017%); highest among the groups gnomAD compares: Non-Finnish European, 0.0022%; no homozygotes.

Submissions (2):

Labcorp Genetics (formerly Invitae), Labcorp
Classification: Likely benign for Mitochondrial trifunctional protein deficiency; Long chain 3-hydroxyacyl-CoA dehydrogenase deficiency. Last evaluated: 2022-06-04. Review status: criteria provided, single submitter. Criteria: Invitae Variant Classification Sherloc (09022015). Collection method: clinical testing. Allele origin: germline.

GeneDx
Classification: Likely benign. Last evaluated: 2016-06-16. Review status: criteria provided, single submitter. Criteria: GeneDx Variant Classification (06012015). Collection method: clinical testing. Allele origin: germline. Affected: yes.
Comment: This variant is considered likely benign or benign based on one or more of the following criteria: it is a conservative change, it occurs at a poorly conserved position in the protein, it is predicted to be benign by multiple in silico algorithms, and/or has population frequency not consistent with disease.